The following is an entry in ClinVar:

ClinVar aggregate classification (germline): Likely benign. Review status: criteria provided, multiple submitters, no conflicts (2 of 4 stars). 5 submissions from 5 submitters: Likely benign (2). 3 of the submissions do not count toward it. Last evaluated 2024-12-04.

Conditions:
PDGFRB-related disorder. Also called: PDGFRB-related condition.
Skeletal overgrowth-craniofacial dysmorphism-hyperelastic skin-white matter lesions syndrome. Also called: SKELETAL OVERGROWTH WITH FACIAL DYSMORPHISM, HYPERELASTIC SKIN, WHITE MATTER LESIONS, AND NEUROLOGIC DETERIORATION; Kosaki overgrowth syndrome. Identifiers: Orphanet 477831, MedGen C4225270, MONDO:0014704, OMIM 616592.
Acroosteolysis-keloid-like lesions-premature aging syndrome. Also called: Premature aging syndrome, Penttinen type; Prematurely aged appearance, delayed bone maturation, acro-osteolysis, and brachydactyly; Progeroid syndrome, Penttinen type. Identifiers: Orphanet 363665, MedGen C1866182, MONDO:0011150, OMIM 601812.
Infantile myofibromatosis (IMF). Also called: Congenital generalized fibromatosis. Identifiers: Orphanet 2591, MedGen C0432284, MONDO:0016824.
Basal ganglia calcification, idiopathic, 4 (PFBC4). Also called: PRIMARY FAMILIAL BRAIN CALCIFICATION 4, AUTOSOMAL DOMINANT; Familial Idiopathic Basal Ganglia Calcification 4. Identifiers: Orphanet 1980, MedGen C3554321, MONDO:0014004, OMIM 615007.

Allele frequency attached by ClinVar (database versions not stated): gnomAD exomes 0.00001 and 0.00002; gnomAD 0.00003; ExAC 0.00001.
gnomAD v4.1: 32 of 1,613,318 alleles (0.002%); highest among the groups gnomAD compares: East Asian, 0.011%; no homozygotes.

Submissions (5):

Labcorp Genetics (formerly Invitae), Labcorp
Classification: Likely benign for Basal ganglia calcification, idiopathic, 4; Skeletal overgrowth-craniofacial dysmorphism-hyperelastic skin-white matter lesions syndrome; Infantile myofibromatosis; Acroosteolysis-keloid-like lesions-premature aging syndrome. Last evaluated: 2024-12-04. Review status: criteria provided, single submitter. Criteria: Invitae Variant Classification Sherloc (09022015). Collection method: clinical testing. Allele origin: germline.

Blueprint Genetics
Classification: Likely benign. Last evaluated: 2024-10-03. Review status: criteria provided, single submitter. Criteria: ACMG Guidelines, 2015. Collection method: clinical testing. Allele origin: germline.

PreventionGenetics, part of Exact Sciences
Classification: Likely benign for PDGFRB-related condition. Last evaluated: 2019-06-19. Review status: no assertion criteria provided. Collection method: clinical testing. Allele origin: germline. Not counted in ClinVar's aggregate classification.
Comment: This variant is classified as likely benign based on ACMG/AMP sequence variant interpretation guidelines (Richards et al. 2015 PMID: 25741868, with internal and published modifications).

Clinical Genetics DNA and cytogenetics Diagnostics Lab, Erasmus MC, Erasmus Medical Center
Classification: Likely benign. Review status: no assertion criteria provided. Collection method: clinical testing. Allele origin: germline. Affected: yes. Study: VKGL Data-share Consensus. Not counted in ClinVar's aggregate classification.

Genome Diagnostics Laboratory, Amsterdam University Medical Center
Classification: Likely benign. Review status: no assertion criteria provided. Collection method: clinical testing. Allele origin: germline. Affected: yes. Study: VKGL Data-share Consensus. Not counted in ClinVar's aggregate classification.

NM_002609.4(PDGFRB):c.2997A>T (p.Arg999=)

Gene: PDGFRB (platelet derived growth factor receptor beta; minus strand). Cytogenetic location: 5q32.
Variant type: single nucleotide variant.
Coding change: c.2997A>T on transcript NM_002609.4 (MANE Select); coding-DNA position 2997, A replaced by T.
Protein change: p.Arg999=; no amino-acid change (arginine 999 retained).
Molecular consequence: synonymous variant.
Genome position (GRCh38, 1-based): chr5:150,117,758, T>A on the plus strand (A>T on the coding strand, the complement: PDGFRB is on the minus strand). VCF-style: chr5-150117758-T-A. GRCh37 (hg19) VCF-style: chr5-149497321-T-A.
Other names: c.2805A>T, p.Arg935= (NM_001355016.2); c.2514A>T, p.Arg838= (NM_001355017.2).
Identifiers: ClinVar variation 712779 (VCV000712779.16), dbSNP rs776113877, ClinGen allele CA3507457.